The following is an entry in ClinVar:

ClinVar aggregate classification (germline): Pathogenic/Likely pathogenic. Review status: criteria provided, multiple submitters, no conflicts (2 of 4 stars). 3 submissions from 3 submitters: Pathogenic (2); Likely pathogenic (1). Last evaluated 2020-05-14.

Conditions:
Anophthalmia/microphthalmia-esophageal atresia syndrome (MCOPS3). Also called: MICROPHTHALMIA AND ESOPHAGEAL ATRESIA SYNDROME; AEG SYNDROME; SOX2 Disorder. Identifiers: Orphanet 77298, MedGen C1859773, MONDO:0008799, OMIM 206900.
Intellectual disability. Also called: Intellectual developmental disorder; Intellectual functioning disability; intellectual disabilities. Identifiers: MedGen C3714756, MeSH D008607, MONDO:0001071, HP:0001249.
SOX2-related disorder. Also called: SOX2-related condition.

gnomAD v4.1: 1 of 1,612,802 alleles (0.000062%); highest among the groups gnomAD compares: Non-Finnish European, 0.000085%; no homozygotes.

Submissions (3):

Cambridge Genomics Laboratory, East Genomic Laboratory Hub, NHS Genomic Medicine Service
Classification: Pathogenic for Intellectual disability. Last evaluated: 2020-05-14. Review status: criteria provided, single submitter. Criteria: ACGS Best Practice Guidelines for Variant Classification in Rare Disease 2020. Collection method: clinical testing. Allele origin: germline. Affected: yes. Observed: 1 variant allele.

Blueprint Genetics
Classification: Likely pathogenic for SOX2-related disorders. Last evaluated: 2018-07-02. Review status: criteria provided, single submitter. Criteria: ACMG Guidelines, 2015. Collection method: clinical testing. Allele origin: germline. Affected: yes. Observed: 1 variant allele.

Labcorp Genetics (formerly Invitae), Labcorp
Classification: Pathogenic for Anophthalmia/microphthalmia-esophageal atresia syndrome. Last evaluated: 2018-01-18. Review status: criteria provided, single submitter. Criteria: Invitae Variant Classification Sherloc (09022015). Collection method: clinical testing. Allele origin: germline.
Comment: This sequence change results in a premature translational stop signal in the SOX2 gene (p.Tyr180*). While this is not anticipated to result in nonsense mediated decay, it is expected to disrupt the last 138 amino acids of the SOX2 protein. For these reasons, this variant has been classified as Pathogenic. Multiple downstream truncating variants have been reported in individuals with anophthalmia and/or microphthalmia including the variant p.Pro181Argfs*22, which has been determined to be pathogenic (PMID: 22171155). This suggests that deletion of this region of the SOX2 protein is causative of disease. This variant has been reported to be de novo in an individual affected with anophthalmia, microphthalmia and extra-ocular abnormalities (PMID: 19921648). This variant is not present in population databases (ExAC no frequency).

Literature cited by the submitters: PubMed 22171155 (cited by Labcorp Genetics (formerly Invitae), Labcorp); PubMed 19921648 (cited by Labcorp Genetics (formerly Invitae), Labcorp).

NM_003106.4(SOX2):c.540C>G (p.Tyr180Ter)

Genes: SOX2 (SRY-box transcription factor 2; plus strand), SOX2-OT (SOX2 overlapping transcript; plus strand), LOC108281177 (SOX2 5' regulatory region; plus strand). Cytogenetic location: 3q26.33.
Variant type: single nucleotide variant.
Coding change: c.540C>G on transcript NM_003106.4 (MANE Select); coding-DNA position 540, C replaced by G.
Protein change: p.Tyr180Ter; replaces tyrosine 180 with a stop codon.
Molecular consequence: nonsense.
Genome position (GRCh38, 1-based): chr3:181,712,900, C>G. VCF-style: chr3-181712900-C-G. GRCh37 (hg19) VCF-style: chr3-181430688-C-G.
Other names: short protein forms Y180*.
Identifiers: ClinVar variation 535836 (VCV000535836.11), dbSNP rs771521201, ClinGen allele CA355474105.